The following is an entry in ClinVar:

NM_015057.5(MYCBP2):c.10368-8_10368-7del

Gene: MYCBP2 (MYC binding protein 2; minus strand). Cytogenetic location: 13q22.3.
Variant type: Deletion.
Coding change: c.10368-8_10368-7del on transcript NM_015057.5 (MANE Select); 8 bases into the intron before coding-DNA position 10368 through 7 bases into the intron before coding-DNA position 10368, 2 bases deleted (AT; older notation c.10368-8_10368-7delAT).
Molecular consequence: intron variant.
Genome position (GRCh38, 1-based): chr13:77,090,270-77,090,271, AT deleted on the plus strand (AT on the coding strand, the reverse complement: MYCBP2 is on the minus strand). VCF-style (leftmost placement, unchanged base first): chr13-77090269-CAT-C. GRCh37 (hg19) VCF-style: chr13-77664404-CAT-C.
Identifiers: ClinVar variation 4979228 (VCV004979228.1).

ClinVar aggregate classification (germline): Likely benign (1 of 4 stars; one submission).

Conditions:
MYCBP2-related disorder. Also called: MYCBP2-related condition.

Submission:

PreventionGenetics, part of Exact Sciences
Classification: Likely benign for MYCBP2-related condition. Last evaluated: 2025-05-20. Review status: criteria provided, single submitter. Criteria: ACMG Guidelines, 2015. Collection method: clinical testing. Allele origin: germline.
Comment: This variant is classified as likely benign based on ACMG/AMP sequence variant interpretation guidelines (Richards et al. 2015 PMID: 25741868, with internal and published modifications).